The following is an entry in ClinVar:

NM_005909.5(MAP1B):c.4625C>T (p.Thr1542Met)

Gene: MAP1B (microtubule associated protein 1B; plus strand). Cytogenetic location: 5q13.2.
Variant type: single nucleotide variant.
Coding change: c.4625C>T on transcript NM_005909.5 (MANE Select); coding-DNA position 4625, C replaced by T.
Protein change: p.Thr1542Met; replaces threonine 1542 with methionine.
Molecular consequence: missense variant.
Genome position (GRCh38, 1-based): chr5:72,197,980, C>T. VCF-style: chr5-72197980-C-T. GRCh37 (hg19) VCF-style: chr5-71493807-C-T.
Other names: c.4247C>T, p.Thr1416Met (NM_001324255.2); short protein forms T1416M, T1542M.
Identifiers: ClinVar variation 4989116 (VCV004989116.1).

ClinVar aggregate classification (germline): Uncertain significance (1 of 4 stars; one submission).

Conditions:
MAP1B-related disorder. Also called: MAP1B-related condition.

Submission:

PreventionGenetics, part of Exact Sciences
Classification: Uncertain significance for MAP1B-related condition. Last evaluated: 2026-01-20. Review status: criteria provided, single submitter. Criteria: ACMG Guidelines, 2015. Collection method: clinical testing. Allele origin: germline.
Comment: The MAP1B c.4625C>T variant is predicted to result in the amino acid substitution p.Thr1542Met. To our knowledge, this variant has not been reported in the literature. This variant is reported in 0.0054% of alleles in individuals of European (Non-Finnish) descent in gnomAD. At this time, the clinical significance of this variant is uncertain due to the absence of conclusive functional and genetic evidence.